The following is an entry in ClinVar:

ClinVar aggregate classification (germline): Uncertain significance. Review status: criteria provided, multiple submitters, no conflicts (2 of 4 stars). 2 submissions from 2 submitters: Uncertain significance (2). Last evaluated 2023-02-14.

Conditions:
Inborn genetic diseases. Identifiers: MedGen C0950123, MeSH D030342.
COG5-congenital disorder of glycosylation. Also called: CDG IIi; COG5-CDG; CONGENITAL DISORDER OF GLYCOSYLATION, TYPE IIi. Identifiers: Orphanet 263487, MedGen C3150876, MONDO:0013325, OMIM 613612.

Allele frequency attached by ClinVar (database versions not stated): ESP Exome Variant Server 0.00008.
gnomAD v4.1: 23 of 1,612,556 alleles (0.0014%); highest among the groups gnomAD compares: South Asian, 0.0044%; no homozygotes.

Submissions (2):

Labcorp Genetics (formerly Invitae), Labcorp
Classification: Uncertain significance for COG5-congenital disorder of glycosylation. Last evaluated: 2023-02-14. Review status: criteria provided, single submitter. Criteria: Invitae Variant Classification Sherloc (09022015). Collection method: clinical testing. Allele origin: germline.
Comment: In summary, the available evidence is currently insufficient to determine the role of this variant in disease. Therefore, it has been classified as a Variant of Uncertain Significance. Algorithms developed to predict the effect of missense changes on protein structure and function (SIFT, PolyPhen-2, Align-GVGD) all suggest that this variant is likely to be disruptive. ClinVar contains an entry for this variant (Variation ID: 1346819). This variant has not been reported in the literature in individuals affected with COG5-related conditions. The frequency data for this variant in the population databases is considered unreliable, as metrics indicate poor data quality at this position in the gnomAD database. This sequence change replaces arginine, which is basic and polar, with cysteine, which is neutral and slightly polar, at codon 245 of the COG5 protein (p.Arg245Cys).

Ambry Genetics
Classification: Uncertain significance for Inborn genetic diseases. Last evaluated: 2022-10-06. Review status: criteria provided, single submitter. Criteria: Ambry Variant Classification Scheme 2023. Collection method: clinical testing. Allele origin: germline.

NM_006348.5(COG5):c.640C>T (p.Arg214Cys)

Gene: COG5 (component of oligomeric golgi complex 5; minus strand). Cytogenetic location: 7q22.3.
Variant type: single nucleotide variant.
Coding change: c.640C>T on transcript NM_006348.5 (MANE Select); coding-DNA position 640, C replaced by T.
Protein change: p.Arg214Cys; replaces arginine 214 with cysteine.
Molecular consequence: missense variant. On other transcripts: intron variant (2).
Genome position (GRCh38, 1-based): chr7:107,412,531, G>A on the plus strand (C>T on the coding strand, the complement: COG5 is on the minus strand). VCF-style: chr7-107412531-G-A. GRCh37 (hg19) VCF-style: chr7-107052976-G-A.
Other names: c.733C>T (NM_006348.3); c.640C>T, p.Arg214Cys (NM_001161520.2, NM_001379511.1, NM_001379512.1 and 3 more transcripts); c.235-50421C>T (NM_001379516.1); c.539-114185C>T (NM_001379515.1); short protein forms R214C.
Identifiers: ClinVar variation 1346819 (VCV001346819.7), dbSNP rs144485187, ClinGen allele CA4431168.
Genomic context (GRCh38, chr7:107,412,531, plus strand): 5'-TTACATTAAAAAACAGTCTTATTTTTATTACCTGAGTCTCCAAACCCTGCTCTAGTAGGC[G>A]CTTAGCTTGATTTTCCACTTCAAGTCGGGCTCTTGCAATAAAAAGTAGATCATTTTCTAT-3'
Protein context (NP_006339.4, residues 204-224): ARLEVENQAK[Arg214Cys]LLEQGLETQN